The following is an entry in ClinVar:

NM_005592.4(MUSK):c.2222T>C (p.Ile741Thr)

Gene: MUSK (muscle associated receptor tyrosine kinase; plus strand). Cytogenetic location: 9q31.3.
Variant type: single nucleotide variant.
Coding change: c.2222T>C on transcript NM_005592.4 (MANE Select); coding-DNA position 2222, T replaced by C.
Protein change: p.Ile741Thr; replaces isoleucine 741 with threonine.
Molecular consequence: missense variant.
Genome position (GRCh38, 1-based): chr9:110,800,600, T>C. VCF-style: chr9-110800600-T-C. GRCh37 (hg19) VCF-style: chr9-113562880-T-C.
Other names: c.1964T>C, p.Ile655Thr (NM_001166280.2); c.1934T>C, p.Ile645Thr (NM_001166281.2); c.962T>C, p.Ile321Thr (NM_001369398.1); c.2222T>C (NM_005592.3); short protein forms I655T, I321T, I645T, I741T.
Identifiers: ClinVar variation 1345097 (VCV001345097.6), dbSNP rs752514384, ClinGen allele CA5184587.
Genomic context (GRCh38, chr9:110,800,600, plus strand): 5'-TTGTTCACCGAGATTTAGCCACCAGGAACTGCCTGGTGGGCGAGAACATGGTGGTGAAAA[T>C]TGCCGACTTTGGCCTCTCCAGGAACATCTACTCAGCAGACTACTACAAAGCTAATGAAAA-3'
Protein context (NP_005583.1, residues 731-751): CLVGENMVVK[Ile741Thr]ADFGLSRNIY

ClinVar aggregate classification (germline): Uncertain significance. Review status: criteria provided, multiple submitters, no conflicts (2 of 4 stars). 2 submissions from 2 submitters: Uncertain significance (2). Last evaluated 2024-01-17.

Conditions:
Inborn genetic diseases. Identifiers: MedGen C0950123, MeSH D030342.
Congenital myasthenic syndrome 9. Also called: Myasthenic syndrome, congenital, 9, associated with acetylcholine receptor deficiency. Identifiers: Orphanet 590, MedGen C4225368, MONDO:0014587, OMIM 616325.
Fetal akinesia deformation sequence 1 (FADS1). Also called: Fetal akinesia sequence; Pena-Shokeir syndrome type I. Identifiers: Orphanet 994, MedGen C1276035, MONDO:0100101, OMIM 208150, HP:0001989.

Allele frequency attached by ClinVar (database versions not stated): TOPMed below 0.00001; ExAC 0.00001; gnomAD exomes 0.00001.
gnomAD v4.1: 7 of 1,613,484 alleles (0.00043%); highest among the groups gnomAD compares: Admixed American, 0.0033%; no homozygotes.

Submissions (2):

Ambry Genetics
Classification: Uncertain significance for Inborn genetic diseases. Last evaluated: 2024-01-17. Review status: criteria provided, single submitter. Criteria: Ambry Variant Classification Scheme 2023. Collection method: clinical testing. Allele origin: germline.

Labcorp Genetics (formerly Invitae), Labcorp
Classification: Uncertain significance for Congenital myasthenic syndrome 9; Fetal akinesia deformation sequence 1. Last evaluated: 2021-09-24. Review status: criteria provided, single submitter. Criteria: Invitae Variant Classification Sherloc (09022015). Collection method: clinical testing. Allele origin: germline.
Comment: This sequence change replaces isoleucine with threonine at codon 741 of the MUSK protein (p.Ile741Thr). The isoleucine residue is highly conserved and there is a moderate physicochemical difference between isoleucine and threonine. This variant is present in population databases (rs752514384, ExAC 0.001%). This variant has not been reported in the literature in individuals with MUSK-related conditions. Advanced modeling of protein sequence and biophysical properties (such as structural, functional, and spatial information, amino acid conservation, physicochemical variation, residue mobility, and thermodynamic stability) performed at Invitae indicates that this missense variant is expected to disrupt MUSK protein function. In summary, the available evidence is currently insufficient to determine the role of this variant in disease. Therefore, it has been classified as a Variant of Uncertain Significance.